The following is an entry in ClinVar:

ClinVar aggregate classification (germline): Uncertain significance. Review status: criteria provided, multiple submitters, no conflicts (2 of 4 stars). 2 submissions from 2 submitters: Uncertain significance (2). Last evaluated 2026-01-19.

gnomAD v4.1: 20 of 1,536,318 alleles (0.0013%); highest among the groups gnomAD compares: Middle Eastern, 0.017%; no homozygotes.

Submissions (2):

Women's Health and Genetics/Laboratory Corporation of America, LabCorp
Classification: Uncertain significance. Last evaluated: 2026-01-19. Review status: criteria provided, single submitter. Criteria: LabCorp Variant Classification Summary - May 2015. Collection method: clinical testing. Allele origin: germline.
Comment: Variant summary: ZFHX2 c.7249A>C (p.Lys2417Gln) results in a conservative amino acid change in the encoded protein sequence. Algorithms developed to predict the effect of missense changes on protein structure and function are either unavailable or do not agree on the potential impact of this missense change. The variant allele was found at a frequency of 1.5e-05 in 135866 control chromosomes. The available data on variant occurrences in the general population are insufficient to allow any conclusion about variant significance. To our knowledge, no occurrence of c.7249A>C in individuals affected with ZFHX2-related conditions and no experimental evidence demonstrating its impact on protein function have been reported. ClinVar contains an entry for this variant (Variation ID: 4205019). Based on the evidence outlined above, the variant was classified as uncertain significance.

Ambry Genetics
Classification: Uncertain significance. Last evaluated: 2025-08-03. Review status: criteria provided, single submitter. Criteria: Ambry Variant Classification Scheme 2023. Collection method: clinical testing. Allele origin: germline.

NM_033400.3(ZFHX2):c.7249A>C (p.Lys2417Gln)

Genes: ZFHX2 (zinc finger homeobox 2; minus strand), THTPA (thiamine triphosphatase; plus strand). Cytogenetic location: 14q11.2.
Variant type: single nucleotide variant.
Coding change: c.7249A>C on transcript NM_033400.3 (MANE Select); coding-DNA position 7249, A replaced by C.
Protein change: p.Lys2417Gln; replaces lysine 2417 with glutamine.
Molecular consequence: missense variant.
Genome position (GRCh38, 1-based): chr14:23,522,432, T>G on the plus strand (A>C on the coding strand, the complement: ZFHX2 is on the minus strand). VCF-style: chr14-23522432-T-G. GRCh37 (hg19) VCF-style: chr14-23991641-T-G.
Other names: short protein forms K2417Q.
Identifiers: ClinVar variation 4205019 (VCV004205019.2).